The following is an entry in ClinVar:

ClinVar aggregate classification (germline): Pathogenic/Likely pathogenic. Review status: criteria provided, multiple submitters, no conflicts (2 of 4 stars). 3 submissions from 3 submitters: Pathogenic (1); Likely pathogenic (2). Last evaluated 2024-10-21.

Conditions:
Nemaline myopathy 2 (NEM2). Also called: Nemaline myopathy 2, autosomal recessive. Identifiers: MedGen C1850569, MONDO:0009725, OMIM 256030.
Arthrogryposis multiplex congenita 6. Identifiers: MedGen C5543431, MONDO:0030281, OMIM 619334.

Submissions (3):

Natera, Inc.
Classification: Likely pathogenic for Nemaline myopathy type 2. Last evaluated: 2024-10-21. Review status: criteria provided, single submitter. Criteria: Natera Variant Classification Schema (03/2026). Collection method: clinical testing. Allele origin: germline.
Comment: The c.1978C>T variant in NEB is a nonsense variant predicted to introduce a stop codon at amino acid 660. This variant is expected to result in nonsense mediated decay, truncation, or a dysfunctional protein product. This variant is rare in the general population with a frequency below the threshold expected for the associated phenotype(s). Given the available evidence, this variant is classified as Likely Pathogenic.

Labcorp Genetics (formerly Invitae), Labcorp
Classification: Pathogenic for Nemaline myopathy 2. Last evaluated: 2024-06-19. Review status: criteria provided, single submitter. Criteria: Invitae Variant Classification Sherloc (09022015). Collection method: clinical testing. Allele origin: germline.
Comment: This sequence change creates a premature translational stop signal (p.Gln660*) in the NEB gene. It is expected to result in an absent or disrupted protein product. Loss-of-function variants in NEB are known to be pathogenic (PMID: 25205138). This variant is not present in population databases (gnomAD no frequency). This variant has not been reported in the literature in individuals affected with NEB-related conditions. For these reasons, this variant has been classified as Pathogenic.

Juno Genomics, Hangzhou Juno Genomics, Inc
Classification: Likely pathogenic for Nemaline myopathy 2; Arthrogryposis multiplex congenita 6. Review status: criteria provided, single submitter. Criteria: ACMG Guidelines, 2015. Collection method: clinical testing. Allele origin: germline.
Comment: Null variant in a gene where loss of function (LOF) is a known mechanism of disease.;Absent from controls (or at extremely low frequency if recessive) in Genome Aggregation Database.

Literature cited by the submitters: PubMed 25205138 (cited by Labcorp Genetics (formerly Invitae), Labcorp).

NM_001164508.2(NEB):c.1978C>T (p.Gln660Ter)

Gene: NEB (nebulin; minus strand). Cytogenetic location: 2q23.3.
Variant type: single nucleotide variant.
Coding change: c.1978C>T on transcript NM_001164508.2 (MANE Select); coding-DNA position 1978, C replaced by T.
Protein change: p.Gln660Ter; replaces glutamine 660 with a stop codon.
Molecular consequence: nonsense.
Genome position (GRCh38, 1-based): chr2:151,692,281, G>A on the plus strand (C>T on the coding strand, the complement: NEB is on the minus strand). VCF-style: chr2-151692281-G-A. GRCh37 (hg19) VCF-style: chr2-152548795-G-A.
Other names: c.1978C>T, p.Gln660Ter (NM_004543.5, NM_001164507.2, NM_001271208.2); short protein forms Q660*.
Identifiers: ClinVar variation 3677504 (VCV003677504.5).
Genomic context (GRCh38, chr2:151,692,281, plus strand): 5'-AAAGCCCTCCTACCCGAAAGGTAACCGTGGCTTTTCGAACCTCACTGAAGTTCTTCAGCT[G>A]AGTATCAAGTTGATATTTTGGGGTCTCACAGTAATTCATACTCTTTGCCTTTGTCTTCTC-3'